The following is an entry in ClinVar:

NM_006648.4(WNK2):c.2645C>G (p.Ala882Gly)

Gene: WNK2 (WNK lysine deficient protein kinase 2; plus strand). Cytogenetic location: 9q22.31.
Variant type: single nucleotide variant.
Coding change: c.2645C>G on transcript NM_006648.4 (MANE Select); coding-DNA position 2645, C replaced by G.
Protein change: p.Ala882Gly; replaces alanine 882 with glycine.
Molecular consequence: missense variant.
Genome position (GRCh38, 1-based): chr9:93,259,193, C>G. VCF-style: chr9-93259193-C-G. GRCh37 (hg19) VCF-style: chr9-96021475-C-G.
Other names: c.2645C>G, p.Ala882Gly (NM_001282394.3); short protein forms A882G.
Identifiers: ClinVar variation 5031822 (VCV005031822.1).
Genomic context (GRCh38, chr9:93,259,193, plus strand): 5'-CCCACCCCCCTGGGGCGCCCCTGGCCATGCCCTGCCGGACCATTGTGCCAAATGCACCGG[C>G]CACTATCCCCCTGCTGGCCGTAGCCCCACCGGGCGTGGCTGCCCTGTCCATTCATTCTGC-3'
Protein context (NP_006639.3, residues 872-892): PCRTIVPNAP[Ala882Gly]TIPLLAVAPP

ClinVar aggregate classification (germline): Uncertain significance (1 of 4 stars; one submission).

Submission:

Ambry Genetics
Classification: Uncertain significance. Last evaluated: 2026-07-04. Review status: criteria provided, single submitter. Criteria: Ambry Variant Classification Scheme 2023. Collection method: clinical testing. Allele origin: germline.
Comment: The p.A882G variant (also known as c.2645C>G), located in coding exon 11 of the WNK2 gene, results from a C to G substitution at nucleotide position 2645. The alanine at codon 882 is replaced by glycine, an amino acid with similar properties. This amino acid position is conserved. In addition, this alteration is predicted to be tolerated by in silico analysis. Based on the available evidence, the clinical significance of this variant remains unclear.